The following is an entry in ClinVar:

ClinVar aggregate classification (germline): Likely pathogenic (0 of 4 stars; one submission).

Conditions:
DSP-related disorder. Also called: DSP-related condition; DSP-related disorders.

Submission:

PreventionGenetics, part of Exact Sciences
Classification: Likely pathogenic for DSP-related condition. Last evaluated: 2023-10-23. Review status: no assertion criteria provided. Collection method: clinical testing. Allele origin: germline.
Comment: The DSP c.5476A>T variant is predicted to result in premature protein termination (p.Lys1826*). To our knowledge, this variant has not been reported in the literature or in a large population database, indicating this variant is rare. Nonsense variants in DSP are expected to be pathogenic. This variant is interpreted as likely pathogenic.

NM_004415.4(DSP):c.5476A>T (p.Lys1826Ter)

Gene: DSP (desmoplakin; plus strand). Cytogenetic location: 6p24.3.
Variant type: single nucleotide variant.
Coding change: c.5476A>T on transcript NM_004415.4 (MANE Select); coding-DNA position 5476, A replaced by T.
Protein change: p.Lys1826Ter; replaces lysine 1826 with a stop codon.
Molecular consequence: nonsense.
Genome position (GRCh38, 1-based): chr6:7,582,738, A>T. VCF-style: chr6-7582738-A-T. GRCh37 (hg19) VCF-style: chr6-7582971-A-T.
Other names: c.3679A>T, p.Lys1227Ter (NM_001008844.3); c.4147A>T, p.Lys1383Ter (NM_001319034.2); short protein forms K1227*, K1383*, K1826*.
Identifiers: ClinVar variation 3030184 (VCV003030184.2), dbSNP rs2533936096, ClinGen allele CA362688709.